The following is an entry in ClinVar:

NM_199420.4(POLQ):c.3434A>T (p.Asn1145Ile)

Gene: POLQ (DNA polymerase theta; minus strand). Cytogenetic location: 3q13.33.
Variant type: single nucleotide variant.
Coding change: c.3434A>T on transcript NM_199420.4 (MANE Select); coding-DNA position 3434, A replaced by T.
Protein change: p.Asn1145Ile; replaces asparagine 1145 with isoleucine.
Molecular consequence: missense variant.
Genome position (GRCh38, 1-based): chr3:121,489,497, T>A on the plus strand (A>T on the coding strand, the complement: POLQ is on the minus strand). VCF-style: chr3-121489497-T-A. GRCh37 (hg19) VCF-style: chr3-121208344-T-A.
Other names: short protein forms N1145I.
Identifiers: ClinVar variation 1731403 (VCV001731403.2), dbSNP rs912303949, ClinGen allele CA81836330.

ClinVar aggregate classification (germline): Uncertain significance (1 of 4 stars; one submission).

Allele frequency attached by ClinVar (database versions not stated): gnomAD exomes below 0.00001; gnomAD 0.00002; TOPMed 0.00002.
gnomAD v4.1: 4 of 1,613,916 alleles (0.00025%); highest among the groups gnomAD compares: African/African-American, 0.004%; no homozygotes.

Submission:

Ambry Genetics
Classification: Uncertain significance. Last evaluated: 2024-03-27. Review status: criteria provided, single submitter. Criteria: Ambry Variant Classification Scheme 2023. Collection method: clinical testing. Allele origin: germline.
Comment: The p.N1145I variant (also known as c.3434A>T), located in coding exon 16 of the POLQ gene, results from an A to T substitution at nucleotide position 3434. The asparagine at codon 1145 is replaced by isoleucine, an amino acid with dissimilar properties. This amino acid position is conserved. In addition, this alteration is predicted to be tolerated by in silico analysis. Since supporting evidence is limited at this time, the clinical significance of this alteration remains unclear.